The following is an entry in ClinVar:

ClinVar aggregate classification (germline): Uncertain significance. Review status: criteria provided, multiple submitters, no conflicts (2 of 4 stars). 2 submissions from 2 submitters: Uncertain significance (2). Last evaluated 2025-12-10.

Allele frequency attached by ClinVar (database versions not stated): gnomAD 0.00001; TOPMed 0.00003.
gnomAD v4.1: 9 of 1,514,542 alleles (0.00059%); highest among the groups gnomAD compares: Admixed American, 0.012%; no homozygotes.

Submissions (2):

Dasa
Classification: Uncertain significance. Last evaluated: 2025-12-10. Review status: criteria provided, single submitter. Criteria: DASA Assertion Criteria. Collection method: clinical testing. Allele origin: germline.
Comment: NM_021096.4(CACNA1I):c.1742G>A (p.Ser581Asn) is a missense variant that results in the substitution of serine with asparagine. This variant is rare in population databases. Computational prediction algorithms are consistent with a benign effect. The currently available literature and clinical evidence are not sufficient to establish a definitive association between this variant and the reported condition. Therefore, this variant is classified as a variant of uncertain significance.

Ambry Genetics
Classification: Uncertain significance. Last evaluated: 2025-08-09. Review status: criteria provided, single submitter. Criteria: Ambry Variant Classification Scheme 2023. Collection method: clinical testing. Allele origin: germline.

NM_021096.4(CACNA1I):c.1742G>A (p.Ser581Asn)

Gene: CACNA1I (calcium voltage-gated channel subunit alpha1 I; plus strand). Cytogenetic location: 22q13.1.
Variant type: single nucleotide variant.
Coding change: c.1742G>A on transcript NM_021096.4 (MANE Select); coding-DNA position 1742, G replaced by A.
Protein change: p.Ser581Asn; replaces serine 581 with asparagine.
Molecular consequence: missense variant.
Genome position (GRCh38, 1-based): chr22:39,649,675, G>A. VCF-style: chr22-39649675-G-A. GRCh37 (hg19) VCF-style: chr22-40045680-G-A.
Other names: c.1637G>A, p.Ser546Asn (NM_001003406.2); short protein forms S546N, S581N.
Identifiers: ClinVar variation 2480574 (VCV002480574.5), dbSNP rs775267956, ClinGen allele CA324452367.